The following is an entry in ClinVar:

NM_002049.4(GATA1):c.149C>G (p.Pro50Arg)

Gene: GATA1 (GATA binding protein 1; plus strand). Cytogenetic location: Xp11.23.
Variant type: single nucleotide variant.
Coding change: c.149C>G on transcript NM_002049.4 (MANE Select); coding-DNA position 149, C replaced by G.
Protein change: p.Pro50Arg; replaces proline 50 with arginine.
Molecular consequence: missense variant.
Genome position (GRCh38, 1-based): chrX:48,791,258, C>G. VCF-style: chrX-48791258-C-G. GRCh37 (hg19) VCF-style: chrX-48649665-C-G.
Other names: short protein forms P50R.
Identifiers: ClinVar variation 2946372 (VCV002946372.3), dbSNP rs201489369, ClinGen allele CA412867074.

ClinVar aggregate classification (germline): Uncertain significance (1 of 4 stars; one submission).

Conditions:
Diamond-Blackfan anemia. Also called: Blackfan Diamond syndrome; Aregenerative anemia chronic congenital; Red cell aplasia, pure hereditary; Congenital hypoplastic anemia; Aase syndrome. Identifiers: Orphanet 124, MedGen C1260899, MeSH D029503, MONDO:0015253, HP:0004810.
GATA binding protein 1 related thrombocytopenia with dyserythropoiesis. Also called: GATA1-Related Cytopenia; GATA1-Related X-Linked Cytopenia. Identifiers: MedGen C1845837, MONDO:0100089.

gnomAD v4.1: 1 of 1,204,641 alleles (0.000083%); highest among the groups gnomAD compares: Non-Finnish European, 0.00011%; no homozygotes.

Submission:

Labcorp Genetics (formerly Invitae), Labcorp
Classification: Uncertain significance for GATA binding protein 1 related thrombocytopenia with dyserythropoiesis; Diamond-Blackfan anemia. Last evaluated: 2024-01-30. Review status: criteria provided, single submitter. Criteria: Invitae Variant Classification Sherloc (09022015). Collection method: clinical testing. Allele origin: germline.
Comment: This sequence change replaces proline, which is neutral and non-polar, with arginine, which is basic and polar, at codon 50 of the GATA1 protein (p.Pro50Arg). This variant is not present in population databases (gnomAD no frequency). This variant has not been reported in the literature in individuals affected with GATA1-related conditions. An algorithm developed to predict the effect of missense changes on protein structure and function (PolyPhen-2) suggests that this variant is likely to be tolerated. In summary, the available evidence is currently insufficient to determine the role of this variant in disease. Therefore, it has been classified as a Variant of Uncertain Significance.